The following is an entry in ClinVar:

ClinVar aggregate classification (germline): Uncertain significance. Review status: criteria provided, multiple submitters, no conflicts (2 of 4 stars). 2 submissions from 2 submitters: Uncertain significance (2). Last evaluated 2025-06-30.

Conditions:
Mosaic variegated aneuploidy syndrome 1 (MVA1). Also called: Warburton-Anyane-Yeboa syndrome. Identifiers: Orphanet 1052, MedGen C1850343, MONDO:0009759, OMIM 257300.
Inborn genetic diseases. Identifiers: MedGen C0950123, MeSH D030342.

Allele frequency attached by ClinVar (database versions not stated): gnomAD exomes below 0.00001; ExAC 0.00001.

Submissions (2):

Ambry Genetics
Classification: Uncertain significance for Inborn genetic diseases. Last evaluated: 2025-06-30. Review status: criteria provided, single submitter. Criteria: Ambry Variant Classification Scheme 2023. Collection method: clinical testing. Allele origin: germline.
Comment: The p.E485A variant (also known as c.1454A>C), located in coding exon 11 of the BUB1B gene, results from an A to C substitution at nucleotide position 1454. The glutamic acid at codon 485 is replaced by alanine, an amino acid with dissimilar properties. This amino acid position is conserved. In addition, this alteration is predicted to be tolerated by in silico analysis. Since supporting evidence is limited at this time, the clinical significance of this alteration remains unclear.

Labcorp Genetics (formerly Invitae), Labcorp
Classification: Uncertain significance for Mosaic variegated aneuploidy syndrome 1. Last evaluated: 2018-08-07. Review status: criteria provided, single submitter. Criteria: Invitae Variant Classification Sherloc (09022015). Collection method: clinical testing. Allele origin: germline.
Comment: This sequence change replaces glutamic acid with alanine at codon 485 of the BUB1B protein (p.Glu485Ala). The glutamic acid residue is weakly conserved and there is a moderate physicochemical difference between glutamic acid and alanine. This variant is present in population databases (rs778632806, ExAC 0.002%). This variant has not been reported in the literature in individuals with BUB1B-related disease. Algorithms developed to predict the effect of missense changes on protein structure and function (SIFT, PolyPhen-2, Align-GVGD) all suggest that this variant is likely to be tolerated, but these predictions have not been confirmed by published functional studies and their clinical significance is uncertain. In summary, the available evidence is currently insufficient to determine the role of this variant in disease. Therefore, it has been classified as a Variant of Uncertain Significance.

NM_001211.6(BUB1B):c.1454A>C (p.Glu485Ala)

Gene: BUB1B (BUB1 mitotic checkpoint serine/threonine kinase B; plus strand). Cytogenetic location: 15q15.1.
Variant type: single nucleotide variant.
Coding change: c.1454A>C on transcript NM_001211.6 (MANE Select); coding-DNA position 1454, A replaced by C.
Protein change: p.Glu485Ala; replaces glutamic acid 485 with alanine.
Molecular consequence: missense variant.
Genome position (GRCh38, 1-based): chr15:40,200,296, A>C. VCF-style: chr15-40200296-A-C. GRCh37 (hg19) VCF-style: chr15-40492497-A-C.
Other names: short protein forms E485A.
Identifiers: ClinVar variation 650060 (VCV000650060.12), dbSNP rs778632806, ClinGen allele CA7475755.